The following is an entry in ClinVar:

NM_022132.5(MCCC2):c.1159T>G (p.Phe387Val)

Gene: MCCC2 (methylcrotonyl-CoA carboxylase subunit 2; plus strand). Cytogenetic location: 5q13.2.
Variant type: single nucleotide variant.
Coding change: c.1159T>G on transcript NM_022132.5 (MANE Select); coding-DNA position 1159, T replaced by G.
Protein change: p.Phe387Val; replaces phenylalanine 387 with valine.
Molecular consequence: missense variant.
Genome position (GRCh38, 1-based): chr5:71,646,220, T>G. VCF-style: chr5-71646220-T-G. GRCh37 (hg19) VCF-style: chr5-70942047-T-G.
Other names: c.1045T>G, p.Phe349Val (NM_001363147.1); short protein forms F349V, F387V.
Identifiers: ClinVar variation 2634083 (VCV002634083.4), dbSNP rs1450515408, ClinGen allele CA359994140.

ClinVar aggregate classification (germline): Uncertain significance. Review status: criteria provided, multiple submitters, no conflicts (2 of 4 stars). 2 submissions from 2 submitters: Uncertain significance (2). Last evaluated 2023-01-09.

Conditions:
MCCC2-related disorder. Also called: MCCC2-related condition.
3-methylcrotonyl-CoA carboxylase 2 deficiency. Also called: METHYLCROTONYLGLYCINURIA, TYPE II; 3 alpha methylcrotonyl-CoA carboxylase 2 deficiency; 3 alpha methylcrotonylglycinuria 2; MCC 2 deficiency; Methylcrotonylglycinuria type 2. Identifiers: Orphanet 6, MedGen C1859499, MONDO:0008862, OMIM 210210.

Allele frequency attached by ClinVar (database versions not stated): gnomAD exomes below 0.00001; TOPMed 0.00001.
gnomAD v4.1: 2 of 1,613,824 alleles (0.00012%); highest among the groups gnomAD compares: Non-Finnish European, 0.00017%; no homozygotes.

Submissions (2):

Labcorp Genetics (formerly Invitae), Labcorp
Classification: Uncertain significance for 3-methylcrotonyl-CoA carboxylase 2 deficiency. Last evaluated: 2023-01-09. Review status: criteria provided, single submitter. Criteria: Invitae Variant Classification Sherloc (09022015). Collection method: clinical testing. Allele origin: germline.
Comment: In summary, the available evidence is currently insufficient to determine the role of this variant in disease. Therefore, it has been classified as a Variant of Uncertain Significance. Advanced modeling of protein sequence and biophysical properties (such as structural, functional, and spatial information, amino acid conservation, physicochemical variation, residue mobility, and thermodynamic stability) performed at Invitae indicates that this missense variant is expected to disrupt MCCC2 protein function. This missense change has been observed in individual(s) with clinical features of MCCC2-related conditions (PMID: 27601257). This variant is not present in population databases (gnomAD no frequency). This sequence change replaces phenylalanine, which is neutral and non-polar, with valine, which is neutral and non-polar, at codon 387 of the MCCC2 protein (p.Phe387Val).

PreventionGenetics, part of Exact Sciences
Classification: Uncertain significance for MCCC2-related condition. Last evaluated: 2022-11-23. Review status: criteria provided, single submitter. Criteria: ACMG Guidelines, 2015. Collection method: clinical testing. Allele origin: germline.
Comment: The MCCC2 c.1159T>G variant is predicted to result in the amino acid substitution p.Phe387Val. This variant was reported along with a known pathogenic MCCC2 variant in an asymptomatic individual with 3-methylcrotonyl-CoA carboxylase deficiency who was identified by newborn screening (Fonseca et al. 2016. PubMed ID: 27601257). This variant has not been reported in a large population database, indicating it is rare. Although we suspect this variant may possibly be pathogenic, at this time its clinical significance is uncertain due to the absence of conclusive functional and genetic evidence.

Literature cited by the submitters: PubMed 27601257 (cited by Labcorp Genetics (formerly Invitae), Labcorp).